The following is an entry in ClinVar:

NM_153252.5(BRWD3):c.1407C>T (p.Phe469=)

Gene: BRWD3 (bromodomain and WD repeat domain containing 3; minus strand). Cytogenetic location: Xq21.1.
Variant type: single nucleotide variant.
Coding change: c.1407C>T on transcript NM_153252.5 (MANE Select); coding-DNA position 1407, C replaced by T.
Protein change: p.Phe469=; no amino-acid change (phenylalanine 469 retained).
Molecular consequence: synonymous variant.
Genome position (GRCh38, 1-based): chrX:80,725,047, G>A on the plus strand (C>T on the coding strand, the complement: BRWD3 is on the minus strand). VCF-style: chrX-80725047-G-A. GRCh37 (hg19) VCF-style: chrX-79980546-G-A.
Identifiers: ClinVar variation 2189292 (VCV002189292.20), dbSNP rs1301148573, ClinGen allele CA517104731.

ClinVar aggregate classification (germline): Likely benign. Review status: criteria provided, multiple submitters, no conflicts (2 of 4 stars). 2 submissions from 2 submitters: Likely benign (2). Last evaluated 2024-08-01.

Allele frequency attached by ClinVar (database versions not stated): TOPMed 0.00002; gnomAD 0.00003; gnomAD exomes 0.00003.
gnomAD v4.1: 39 of 1,205,543 alleles (0.0032%); highest among the groups gnomAD compares: Non-Finnish European, 0.0041%; no homozygotes.

Submissions (2):

CeGaT Center for Human Genetics Tuebingen
Classification: Likely benign. Last evaluated: 2024-08-01. Review status: criteria provided, single submitter. Criteria: CeGaT Center For Human Genetics Tuebingen Variant Classification Criteria Version 2. Collection method: clinical testing. Allele origin: germline. Affected: yes. Observed: 1 variant allele.
Comment: BRWD3: BP4, BP7, BS2

Labcorp Genetics (formerly Invitae), Labcorp
Classification: Likely benign. Last evaluated: 2022-07-17. Review status: criteria provided, single submitter. Criteria: Invitae Variant Classification Sherloc (09022015). Collection method: clinical testing. Allele origin: germline.